The following is an entry in ClinVar:

NM_000441.2(SLC26A4):c.2089G>A (p.Asp697Asn)

Gene: SLC26A4 (solute carrier family 26 member 4; plus strand). Cytogenetic location: 7q22.3.
Variant type: single nucleotide variant.
Coding change: c.2089G>A on transcript NM_000441.2 (MANE Select); coding-DNA position 2089, G replaced by A.
Protein change: p.Asp697Asn; replaces aspartic acid 697 with asparagine.
Molecular consequence: missense variant.
Genome position (GRCh38, 1-based): chr7:107,704,385, G>A. VCF-style: chr7-107704385-G-A. GRCh37 (hg19) VCF-style: chr7-107344830-G-A.
Other names: short protein forms D697N.
Identifiers: ClinVar variation 3708441 (VCV003708441.3).

ClinVar aggregate classification (germline): Uncertain significance. Review status: criteria provided, multiple submitters, no conflicts (2 of 4 stars). 2 submissions from 2 submitters: Uncertain significance (2). Last evaluated 2025-07-08.

Submissions (2):

Women's Health and Genetics/Laboratory Corporation of America, LabCorp
Classification: Uncertain significance. Last evaluated: 2025-07-08. Review status: criteria provided, single submitter. Criteria: LabCorp Variant Classification Summary - May 2015. Collection method: clinical testing. Allele origin: germline.
Comment: Variant summary: SLC26A4 c.2089G>A (p.Asp697Asn) results in a conservative amino acid change in the encoded protein sequence. Algorithms developed to predict the effect of missense changes on protein structure and function are either unavailable or do not agree on the potential impact of this missense change. Several computational tools predict a significant impact on normal splicing: Three predict the variant weakens a 5' donor site. However, these predictions have yet to be confirmed by functional studies. The frequency data for this variant in gnomAD is considered unreliable, as metrics indicate poor data quality at this position. To our knowledge, no occurrence of c.2089G>A in individuals affected with Pendred Syndrome and no experimental evidence demonstrating its impact on protein function have been reported. ClinVar contains an entry for this variant (Variation ID: 3708441). Based on the evidence outlined above, the variant was classified as uncertain significance.

Labcorp Genetics (formerly Invitae), Labcorp
Classification: Uncertain significance. Last evaluated: 2025-01-31. Review status: criteria provided, single submitter. Criteria: Invitae Variant Classification Sherloc (09022015). Collection method: clinical testing. Allele origin: germline.
Comment: This sequence change affects codon 697 of the SLC26A4 mRNA. It is a 'silent' change, meaning that it does not change the encoded amino acid sequence of the SLC26A4 protein. This variant also falls at the last nucleotide of exon 18, which is part of the consensus splice site for this exon. The frequency data for this variant in the population databases is considered unreliable, as metrics indicate poor data quality at this position in the gnomAD database. This variant has not been reported in the literature in individuals affected with SLC26A4-related conditions. An algorithm developed to predict the effect of missense changes on protein structure and function (PolyPhen-2) suggests that this variant is likely to be disruptive. Variants that disrupt the consensus splice site are a relatively common cause of aberrant splicing (PMID: 17576681, 9536098). Algorithms developed to predict the effect of sequence changes on RNA splicing suggest that this variant may disrupt the consensus splice site. In summary, the available evidence is currently insufficient to determine the role of this variant in disease. Therefore, it has been classified as a Variant of Uncertain Significance.

Literature cited by the submitters: PubMed 17576681 (cited by Labcorp Genetics (formerly Invitae), Labcorp); PubMed 9536098 (cited by Labcorp Genetics (formerly Invitae), Labcorp).